The following is an entry in ClinVar:

ClinVar aggregate classification (germline): Uncertain significance (1 of 4 stars; one submission).

Submission:

Women's Health and Genetics/Laboratory Corporation of America, LabCorp
Classification: Uncertain significance. Last evaluated: 2024-06-25. Review status: criteria provided, single submitter. Criteria: LabCorp Variant Classification Summary - May 2015. Collection method: clinical testing. Allele origin: germline.
Comment: Variant summary: CYC1 c.326+1G>C is located in a canonical splice-site and is predicted to affect mRNA splicing resulting in a significantly altered protein due to either exon skipping, shortening, or inclusion of intronic material. Several computational tools predict a significant impact on normal splicing: Four predict the variant abolishes a 5' splicing donor site. However, these predictions have yet to be confirmed by functional studies. The variant was absent in 244430 control chromosomes. The available data on variant occurrences in the general population are insufficient to allow any conclusion about variant significance. To our knowledge, no occurrence of c.326+1G>C in individuals affected with Mitochondrial Complex III Deficiency Nuclear Type 6 and no experimental evidence demonstrating its impact on protein function have been reported. No submitters have cited clinical-significance assessments for this variant to ClinVar. Loss of function has not been established as the disease mechanism for this gene. Based on the evidence outlined above, the variant was classified as uncertain significance.

NM_001916.5(CYC1):c.326+1G>C

Gene: CYC1 (cytochrome c1; plus strand). Cytogenetic location: 8q24.3.
Variant type: single nucleotide variant.
Coding change: c.326+1G>C on transcript NM_001916.5 (MANE Select); the canonical splice donor site of the intron after coding-DNA position 326, G replaced by C.
Molecular consequence: splice donor variant.
Genome position (GRCh38, 1-based): chr8:144,096,030, G>C. VCF-style: chr8-144096030-G-C. GRCh37 (hg19) VCF-style: chr8-145150933-G-C.
Identifiers: ClinVar variation 3339784 (VCV003339784.1).